The following is an entry in ClinVar:

NM_015565.3(LTN1):c.3618C>T (p.Phe1206=)

Gene: LTN1 (listerin E3 ubiquitin protein ligase 1; minus strand). Cytogenetic location: 21q21.3.
Variant type: single nucleotide variant.
Coding change: c.3618C>T on transcript NM_015565.3 (MANE Select); coding-DNA position 3618, C replaced by T.
Protein change: p.Phe1206=; no amino-acid change (phenylalanine 1206 retained).
Molecular consequence: synonymous variant.
Genome position (GRCh38, 1-based): chr21:28,946,157, G>A on the plus strand (C>T on the coding strand, the complement: LTN1 is on the minus strand). VCF-style: chr21-28946157-G-A. GRCh37 (hg19) VCF-style: chr21-30318479-G-A.
Other names: c.3576C>T, p.Phe1192= (NM_001320766.2).
Identifiers: ClinVar variation 4535011 (VCV004535011.6).

ClinVar aggregate classification (germline): Likely benign (1 of 4 stars; one submission).

Submission:

CeGaT Center for Human Genetics Tuebingen
Classification: Likely benign. Last evaluated: 2025-10-01. Review status: criteria provided, single submitter. Criteria: CeGaT Center For Human Genetics Tuebingen Variant Classification Criteria Version 2. Collection method: clinical testing. Allele origin: germline. Affected: yes. Observed: 1 variant allele.
Comment: LTN1: PM2:Supporting, BP4, BP7